The following is an entry in ClinVar:

NM_004700.4(KCNQ4):c.910G>C (p.Ala304Pro)

Gene: KCNQ4 (potassium voltage-gated channel subfamily Q member 4; plus strand). Cytogenetic location: 1p34.2.
Variant type: single nucleotide variant.
Coding change: c.910G>C on transcript NM_004700.4 (MANE Select); coding-DNA position 910, G replaced by C.
Protein change: p.Ala304Pro; replaces alanine 304 with proline.
Molecular consequence: missense variant.
Genome position (GRCh38, 1-based): chr1:40,819,950, G>C. VCF-style: chr1-40819950-G-C. GRCh37 (hg19) VCF-style: chr1-41285622-G-C.
Other names: c.910G>C, p.Ala304Pro (NM_172163.3); short protein forms A304P.
Identifiers: ClinVar variation 5009989 (VCV005009989.1).

ClinVar aggregate classification (germline): Uncertain significance (1 of 4 stars; one submission).

Submission:

GeneDx
Classification: Uncertain significance. Last evaluated: 2026-02-24. Review status: criteria provided, single submitter. Criteria: GeneDx Variant Classification Process June 2021. Collection method: clinical testing. Allele origin: germline.
Comment: Not observed at significant frequency in large population cohorts (gnomAD); In silico analysis supports that this missense variant has a deleterious effect on protein structure/function; Has not been previously published as pathogenic or benign to our knowledge